The following is an entry in ClinVar:

ClinVar aggregate classification (germline): Pathogenic (1 of 4 stars; one submission).

Conditions:
Bethlem myopathy 1A. Also called: Bethlem Muscular Dystrophy; Bethlem myopathy 1; MYOPATHY, BENIGN CONGENITAL, WITH CONTRACTURES. Identifiers: Orphanet 610, MedGen CN029274, MONDO:0024530, OMIM 158810.

Submission:

Labcorp Genetics (formerly Invitae), Labcorp
Classification: Pathogenic for Bethlem myopathy 1A. Last evaluated: 2022-03-31. Review status: criteria provided, single submitter. Criteria: Invitae Variant Classification Sherloc (09022015). Collection method: clinical testing. Allele origin: germline.
Comment: This sequence change falls in intron 17 of the COL6A3 gene. It does not directly change the encoded amino acid sequence of the COL6A3 protein. For these reasons, this variant has been classified as Pathogenic. Algorithms developed to predict the effect of sequence changes on RNA splicing suggest that this variant may disrupt the consensus splice site. This variant has been observed in individual(s) with Ullrich congenital muscular dystrophy (PMID: 29419890). In at least one individual the variant was observed to be de novo. This variant is not present in population databases (gnomAD no frequency).

Literature cited by the submitters: PubMed 29419890.

NM_004369.4(COL6A3):c.6283-15C>A

Genes: COL6A3 (collagen type VI alpha 3 chain; minus strand), LOC122889011 (Sharpr-MPRA regulatory region 1020; plus strand). Cytogenetic location: 2q37.3.
Variant type: single nucleotide variant.
Coding change: c.6283-15C>A on transcript NM_004369.4 (MANE Select); 15 bases into the intron before coding-DNA position 6283, C replaced by A.
Molecular consequence: intron variant.
Genome position (GRCh38, 1-based): chr2:237,359,403, G>T on the plus strand (C>A on the coding strand, the complement: COL6A3 is on the minus strand). VCF-style: chr2-237359403-G-T. GRCh37 (hg19) VCF-style: chr2-238268046-G-T.
Other names: c.4462-15C>A (NM_057166.5); c.5665-15C>A (NM_057167.4).
Identifiers: ClinVar variation 2144942 (VCV002144942.4), dbSNP rs757187481, ClinGen allele CA2580066084.